The following is an entry in ClinVar:

ClinVar aggregate classification (germline): Uncertain significance (1 of 4 stars; one submission).

Conditions:
NRP1-related disorder. Also called: NRP1-related condition.

Allele frequency attached by ClinVar (database versions not stated): ExAC 0.00001; gnomAD 0.00002.
gnomAD v4.1: 9 of 1,613,968 alleles (0.00056%); highest among the groups gnomAD compares: East Asian, 0.0045%; no homozygotes.

Submission:

PreventionGenetics, part of Exact Sciences
Classification: Uncertain significance for NRP1-related condition. Last evaluated: 2022-10-13. Review status: criteria provided, single submitter. Criteria: ACMG Guidelines, 2015. Collection method: clinical testing. Allele origin: germline.
Comment: The NRP1 c.365A>C variant is predicted to result in the amino acid substitution p.Lys122Thr. To our knowledge, this variant has not been reported in the literature. This variant is reported in 0.0054% of alleles in individuals of East Asian descent in gnomAD. At this time, the clinical significance of this variant is uncertain due to the absence of conclusive functional and genetic evidence.

NM_003873.7(NRP1):c.365A>C (p.Lys122Thr)

Gene: NRP1 (neuropilin 1; minus strand). Cytogenetic location: 10p11.22.
Variant type: single nucleotide variant.
Coding change: c.365A>C on transcript NM_003873.7 (MANE Select); coding-DNA position 365, A replaced by C.
Protein change: p.Lys122Thr; replaces lysine 122 with threonine.
Molecular consequence: missense variant.
Genome position (GRCh38, 1-based): chr10:33,270,740, T>G on the plus strand (A>C on the coding strand, the complement: NRP1 is on the minus strand). VCF-style: chr10-33270740-T-G. GRCh37 (hg19) VCF-style: chr10-33559668-T-G.
Other names: c.365A>C, p.Lys122Thr (NM_001024628.3, NM_001024629.3, NM_001244972.2 and 2 more transcripts); short protein forms K122T.
Identifiers: ClinVar variation 2634414 (VCV002634414.1), dbSNP rs753645404, ClinGen allele CA5466978.